The following is an entry in ClinVar:

ClinVar aggregate classification (germline): Uncertain significance. Review status: criteria provided, multiple submitters, no conflicts (2 of 4 stars). 2 submissions from 2 submitters: Uncertain significance (2). Last evaluated 2025-08-01.

Conditions:
Inborn genetic diseases. Identifiers: MedGen C0950123, MeSH D030342.

Allele frequency attached by ClinVar (database versions not stated): gnomAD exomes 0.00001; ExAC 0.00002; gnomAD 0.00003; TOPMed 0.00004.
gnomAD v4.1: 17 of 1,613,134 alleles (0.0011%); highest among the groups gnomAD compares: Admixed American, 0.0017%; no homozygotes.

Submissions (2):

Ambry Genetics
Classification: Uncertain significance for Inborn genetic diseases. Last evaluated: 2025-08-01. Review status: criteria provided, single submitter. Criteria: Ambry Variant Classification Scheme 2023. Collection method: clinical testing. Allele origin: germline.

Labcorp Genetics (formerly Invitae), Labcorp
Classification: Uncertain significance. Last evaluated: 2022-05-14. Review status: criteria provided, single submitter. Criteria: Invitae Variant Classification Sherloc (09022015). Collection method: clinical testing. Allele origin: germline.
Comment: This sequence change replaces alanine, which is neutral and non-polar, with glutamic acid, which is acidic and polar, at codon 178 of the NPR3 protein (p.Ala178Glu). This variant is present in population databases (rs776997035, gnomAD 0.01%). This variant has not been reported in the literature in individuals affected with NPR3-related conditions. Algorithms developed to predict the effect of missense changes on protein structure and function are either unavailable or do not agree on the potential impact of this missense change (SIFT: "Deleterious"; PolyPhen-2: "Probably Damaging"; Align-GVGD: "Class C0"). In summary, the available evidence is currently insufficient to determine the role of this variant in disease. Therefore, it has been classified as a Variant of Uncertain Significance.

NM_001204375.2(NPR3):c.533C>A (p.Ala178Glu)

Genes: NPR3 (natriuretic peptide receptor 3; plus strand), LOC123493284 (Sharpr-MPRA regulatory region 158; plus strand). Cytogenetic location: 5p13.3.
Variant type: single nucleotide variant.
Coding change: c.533C>A on transcript NM_001204375.2 (MANE Select); coding-DNA position 533, C replaced by A.
Protein change: p.Ala178Glu; replaces alanine 178 with glutamic acid.
Molecular consequence: missense variant. On other transcripts: intron variant (4).
Genome position (GRCh38, 1-based): chr5:32,712,309, C>A. VCF-style: chr5-32712309-C-A. GRCh37 (hg19) VCF-style: chr5-32712415-C-A.
Other names: c.533C>A, p.Ala178Glu (NM_000908.4); c.50-12389C>A (NM_001364458.2); c.121+1526C>A (NM_001363652.2, NM_001204376.2, NM_001364460.2); c.533C>A (NM_001204375.1); short protein forms A178E.
Identifiers: ClinVar variation 1923835 (VCV001923835.4), dbSNP rs776997035, ClinGen allele CA3222381.
Genomic context (GRCh38, chr5:32,712,309, plus strand): 5'-GGGCGCTGGCCGCTGGCTTCCAGCACAAGGACTCTGAGTACTCGCACCTCACGCGCGTGG[C>A]GCCCGCCTACGCCAAGATGGGCGAGATGATGCTCGCCCTGTTCCGCCACCACCACTGGAG-3'
Protein context (NP_001191304.1, residues 168-188): DSEYSHLTRV[Ala178Glu]PAYAKMGEMM